The following is an entry in ClinVar:

NM_001374504.1(TMPRSS6):c.1842-31CCCCA[5]

Gene: TMPRSS6 (transmembrane serine protease 6; minus strand). Cytogenetic location: 22q12.3.
Variant type: Microsatellite.
Coding change: c.1842-31CCCCA[5] on transcript NM_001374504.1 (MANE Select); five copies in a row of the 5-base unit CCCCA starting at c.1842-31; the reference has six copies in a row; one copy, 5 bases deleted.
Molecular consequence: splice acceptor variant.
Genome position (GRCh38, 1-based): chr22:37,069,346-37,069,350, TGGGG deleted on the plus strand (CCCCA on the coding strand, the reverse complement: TMPRSS6 is on the minus strand); deleting any 5 consecutive bases within chr22:37,069,346-37,069,377 gives the same sequence; the position shown is the placement nearest the transcript's 3' end. VCF-style (leftmost placement, unchanged base first): chr22-37069345-CTGGGG-C. GRCh37 (hg19) VCF-style: chr22-37465385-CTGGGG-C.
Other names: c.1869-6_1869-2delCCCCA (NM_153609.2, NM_153609.3); c.1842-31CCCCA[5] (NM_001289000.2, NM_001289001.2, NM_153609.4).
Identifiers: ClinVar variation 262724 (VCV000262724.17), dbSNP rs60484081, ClinGen allele CA10215438.

ClinVar aggregate classification (germline): Benign/Likely benign. Review status: criteria provided, multiple submitters, no conflicts (2 of 4 stars). 4 submissions from 4 submitters: Benign (3); Likely benign (1). Last evaluated 2026-02-04.

Submissions (4):

Labcorp Genetics (formerly Invitae), Labcorp
Classification: Benign. Last evaluated: 2026-02-04. Review status: criteria provided, single submitter. Criteria: Invitae Variant Classification Sherloc (09022015). Collection method: clinical testing. Allele origin: germline.

Blueprint Genetics
Classification: Likely benign. Last evaluated: 2024-11-28. Review status: criteria provided, single submitter. Criteria: ACMG Guidelines, 2015. Collection method: clinical testing. Allele origin: germline.

Laboratory for Molecular Medicine, Mass General Brigham Personalized Medicine
Classification: Benign. Last evaluated: 2016-03-29. Review status: criteria provided, single submitter. Criteria: LMM Criteria. Collection method: clinical testing. Allele origin: germline.
Comment: Variant identified in a genome or exome case(s) and assessed due to predicted null impact of the variant or pathogenic assertions in the literature or databases. Disclaimer: This variant has not undergone full assessment. The following are preliminary notes: Frequency in ESP (all): 3449/7484=46.08%

PreventionGenetics, part of Exact Sciences
Classification: Benign. Review status: criteria provided, single submitter. Criteria: ACMG Guidelines, 2015. Collection method: clinical testing. Allele origin: germline.